The following is an entry in ClinVar:

NM_007294.4(BRCA1):c.905C>G (p.Ala302Gly)

Gene: BRCA1 (BRCA1 DNA repair associated; minus strand). Cytogenetic location: 17q21.31.
Variant type: single nucleotide variant.
Coding change: c.905C>G on transcript NM_007294.4 (MANE Select); coding-DNA position 905, C replaced by G.
Protein change: p.Ala302Gly; replaces alanine 302 with glycine.
Molecular consequence: missense variant. On other transcripts: intron variant (137).
Genome position (GRCh38, 1-based): chr17:43,094,626, G>C on the plus strand (C>G on the coding strand, the complement: BRCA1 is on the minus strand). VCF-style: chr17-43094626-G-C. GRCh37 (hg19) VCF-style: chr17-41246643-G-C.
Other names: c.692C>G, p.Ala231Gly (NM_001407571.1, NM_001407853.1, NM_001407894.1 and 9 more transcripts); c.905C>G, p.Ala302Gly (NM_001407581.1, NM_001407582.1, NM_001407583.1 and 30 more transcripts); c.902C>G, p.Ala301Gly (NM_001407587.1, NM_001407590.1, NM_001407591.1 and 22 more transcripts); c.896C>G, p.Ala299Gly (NM_001407646.1, NM_001407647.1); c.782C>G, p.Ala261Gly (NM_001407648.1, NM_001407664.1, NM_001407665.1 and 19 more transcripts); c.779C>G, p.Ala260Gly (NM_001407649.1, NM_001407670.1, NM_001407671.1 and 11 more transcripts); c.827C>G, p.Ala276Gly (NM_001407653.1, NM_001407654.1, NM_001407655.1 and 4 more transcripts); c.824C>G, p.Ala275Gly (NM_001407659.1, NM_001407660.1, NM_001407661.1 and 1 more transcripts); and 40 more; short protein forms A255G, A302G, A214G, A260G, A190G, A231G, A232G, A299G.
Identifiers: ClinVar variation 1053745 (VCV001053745.9), dbSNP rs1418676444, ClinGen allele CA10600264.

ClinVar aggregate classification (germline): Conflicting classifications of pathogenicity. Review status: criteria provided, conflicting classifications (1 of 4 stars). 2 submissions from 2 submitters: Uncertain significance (1); Likely benign (1). Last evaluated 2023-03-23.

Conditions:
Hereditary cancer-predisposing syndrome. Also called: Hereditary Cancer Syndrome; Tumor predisposition; Hereditary neoplastic syndrome; Neoplastic Syndromes, Hereditary. Identifiers: Orphanet 140162, MedGen C0027672, MeSH D009386, MONDO:0015356.
Hereditary breast ovarian cancer syndrome. Also called: Hereditary breast and/or ovarian cancer syndrome; Hereditary breast and ovarian cancer syndrome; Hereditary breast and ovarian cancer syndrome (HBOC); Breast and ovarian cancer; Hereditary breast and ovarian cancer; BRCA1- and BRCA2-Associated Hereditary Breast and Ovarian Cancer. Identifiers: Orphanet 145, MedGen C0677776, MeSH D061325, MONDO:0003582. Disease mechanism: loss of function.

Submissions (2):

University of Washington Department of Laboratory Medicine, University of Washington
Classification: Likely benign for Hereditary cancer-predisposing syndrome. Last evaluated: 2023-03-23. Review status: criteria provided, single submitter. Criteria: Dines et al. (Genet Med. 2020). Collection method: curation. Allele origin: germline.
Comment: Missense variant in a coldspot region where missense variants are very unlikely to be pathogenic (PMID:31911673).

BRCA1 coldspot (exon 11 using historical exon numbering). Reclassification based on statistical prior probability

Labcorp Genetics (formerly Invitae), Labcorp
Classification: Uncertain significance for Hereditary breast ovarian cancer syndrome. Last evaluated: 2021-08-28. Review status: criteria provided, single submitter. Criteria: Invitae Variant Classification Sherloc (09022015). Collection method: clinical testing. Allele origin: germline.
Comment: This sequence change replaces alanine with glycine at codon 302 of the BRCA1 protein (p.Ala302Gly). The alanine residue is moderately conserved and there is a small physicochemical difference between alanine and glycine. This variant is not present in population databases (ExAC no frequency). This variant has not been reported in the literature in individuals affected with BRCA1-related conditions. Advanced modeling of protein sequence and biophysical properties (such as structural, functional, and spatial information, amino acid conservation, physicochemical variation, residue mobility, and thermodynamic stability) performed at Invitae indicates that this missense variant is not expected to disrupt BRCA1 protein function. Algorithms developed to predict the effect of sequence changes on RNA splicing suggest that this variant may create or strengthen a splice site. In summary, the available evidence is currently insufficient to determine the role of this variant in disease. Therefore, it has been classified as a Variant of Uncertain Significance.